The following is an entry in ClinVar:

ClinVar aggregate classification (germline): Benign (1 of 4 stars; one submission).

Conditions:
Lynch syndrome 5 (LYNCH5). Also called: Colorectal cancer, hereditary nonpolyposis, type 5; Hereditary non-polyposis colorectal cancer, type 5. Identifiers: Orphanet 144, MedGen C1833477, MONDO:0013710, OMIM 614350. Disease mechanism: loss of function.

Submission:

Myriad Genetics, Inc.
Classification: Benign for Lynch syndrome 5. Last evaluated: 2024-12-27. Review status: criteria provided, single submitter. Criteria: Myriad Autosomal Dominant, Autosomal Recessive and X-Linked Classification Criteria (2023). Collection method: clinical testing. Allele origin: unknown.
Comment: This variant is considered benign. This variant is a silent/synonymous amino acid change and it is not expected to impact splicing.

NM_000179.3(MSH6):c.1543A>C (p.Arg515=)

Gene: MSH6 (mutS homolog 6; plus strand). Cytogenetic location: 2p16.3.
Variant type: single nucleotide variant.
Coding change: c.1543A>C on transcript NM_000179.3 (MANE Select); coding-DNA position 1543, A replaced by C.
Protein change: p.Arg515=; no amino-acid change (arginine 515 retained).
Molecular consequence: synonymous variant. On other transcripts: non-coding transcript variant (4), intron variant (1).
Genome position (GRCh38, 1-based): chr2:47,799,526, A>C. VCF-style: chr2-47799526-A-C. GRCh37 (hg19) VCF-style: chr2-48026665-A-C.
Other names: c.1543A>C, p.Arg515= (NM_001406800.1, NM_001406803.1, NM_001406796.1 and 4 more transcripts); c.1246A>C, p.Arg416= (NM_001406801.1, NM_001406805.1, NM_001406818.1 and 10 more transcripts); c.1639A>C, p.Arg547= (NM_001406802.1, NM_001406795.1); c.1153A>C, p.Arg385= (NM_001281492.2); c.637A>C, p.Arg213= (NM_001281493.2, NM_001281494.2, NM_001406811.1 and 6 more transcripts); c.1465A>C, p.Arg489= (NM_001406804.1); c.1018A>C, p.Arg340= (NM_001406806.1, NM_001406807.1, NM_001406799.1); c.1549A>C, p.Arg517= (NM_001406813.1); and 2 more.
Identifiers: ClinVar variation 3903450 (VCV003903450.1).